The following is an entry in ClinVar:

ClinVar aggregate classification (germline): Uncertain significance. Review status: criteria provided, multiple submitters, no conflicts (2 of 4 stars). 2 submissions from 2 submitters: Uncertain significance (2). Last evaluated 2025-12-16.

Conditions:
Cardiovascular phenotype. Identifiers: MedGen CN230736.

Submissions (2):

Ambry Genetics
Classification: Uncertain significance for Cardiovascular phenotype. Last evaluated: 2025-12-16. Review status: criteria provided, single submitter. Criteria: Ambry Variant Classification Scheme 2023. Collection method: clinical testing. Allele origin: germline.
Comment: The p.T181S variant (also known as c.542C>G), located in coding exon 6 of the APOB gene, results from a C to G substitution at nucleotide position 542. The threonine at codon 181 is replaced by serine, an amino acid with similar properties. This amino acid position is conserved. In addition, the in silico prediction for this alteration is inconclusive. Based on the available evidence, the clinical significance of this variant remains unclear.

GeneDx
Classification: Uncertain significance. Last evaluated: 2025-02-04. Review status: criteria provided, single submitter. Criteria: GeneDx Variant Classification Process June 2021. Collection method: clinical testing. Allele origin: germline. Affected: yes.
Comment: Not observed at significant frequency in large population cohorts (gnomAD); In silico analysis supports that this missense variant has a deleterious effect on protein structure/function; Has not been previously published as pathogenic or benign to our knowledge

NM_000384.3(APOB):c.542C>G (p.Thr181Ser)

Gene: APOB (apolipoprotein B; minus strand). Cytogenetic location: 2p24.1.
Variant type: single nucleotide variant.
Coding change: c.542C>G on transcript NM_000384.3 (MANE Select); coding-DNA position 542, C replaced by G.
Protein change: p.Thr181Ser; replaces threonine 181 with serine.
Molecular consequence: missense variant.
Genome position (GRCh38, 1-based): chr2:21,037,251, G>C on the plus strand (C>G on the coding strand, the complement: APOB is on the minus strand). VCF-style: chr2-21037251-G-C. GRCh37 (hg19) VCF-style: chr2-21260123-G-C.
Other names: short protein forms T181S.
Identifiers: ClinVar variation 4074586 (VCV004074586.2).